The following is an entry in ClinVar:

NM_001166114.2(PNPLA6):c.1252+17C>A

Gene: PNPLA6 (patatin like domain 6, lysophospholipase; plus strand). Cytogenetic location: 19p13.2.
Variant type: single nucleotide variant.
Coding change: c.1252+17C>A on transcript NM_001166114.2 (MANE Select); 17 bases into the intron after coding-DNA position 1252, C replaced by A.
Molecular consequence: intron variant.
Genome position (GRCh38, 1-based): chr19:7,542,084, C>A. VCF-style: chr19-7542084-C-A. GRCh37 (hg19) VCF-style: chr19-7606970-C-A.
Other names: c.1135+17C>A (NM_006702.5, NM_001166112.2, NM_001166113.1); c.1279+17C>A (NM_001166111.2).
Identifiers: ClinVar variation 385065 (VCV000385065.12), dbSNP rs117630756, ClinGen allele CA9139728.

ClinVar aggregate classification (germline): Benign. Review status: criteria provided, multiple submitters, no conflicts (2 of 4 stars). 3 submissions from 3 submitters: Benign (3). Last evaluated 2026-02-02.

Conditions:
Hereditary spastic paraplegia 39 (SPG39). Also called: SPASTIC PARAPLEGIA 39, AUTOSOMAL RECESSIVE; Spastic Paraplegia Type 39 (SPG39). Identifiers: Orphanet 139480, MedGen C2677586, MONDO:0012787, OMIM 612020.

Allele frequency attached by ClinVar (database versions not stated): 1000 Genomes Project 0.01038; 1000 Genomes Project 30x 0.01046; TOPMed 0.01758; gnomAD exomes 0.02161 and 0.02879; gnomAD 0.02169 and 0.02222; ESP Exome Variant Server 0.02291; ExAC 0.02382.
gnomAD v4.1: 44,719 of 1,597,114 alleles (2.8%); highest among the groups gnomAD compares: Non-Finnish European, 3.3%; 793 homozygotes.

Submissions 1 to 32 of 43:

Labcorp Genetics (formerly Invitae), Labcorp
Classification: Benign for Hereditary spastic paraplegia 39. Last evaluated: 2026-02-02. Review status: criteria provided, single submitter. Criteria: Invitae Variant Classification Sherloc (09022015). Collection method: clinical testing. Allele origin: germline.

GeneDx
Classification: Benign. Last evaluated: 2016-04-15. Review status: criteria provided, single submitter. Criteria: GeneDx Variant Classification (06012015). Collection method: clinical testing. Allele origin: germline. Affected: yes.
Comment: This variant is considered likely benign or benign based on one or more of the following criteria: it is a conservative change, it occurs at a poorly conserved position in the protein, it is predicted to be benign by multiple in silico algorithms, and/or has population frequency not consistent with disease.

Breakthrough Genomics
Classification: Benign. Review status: criteria provided, single submitter. Criteria: ACMG Guidelines, 2015. Collection method: not provided. Allele origin: germline. Inheritance: Autosomal recessive inheritance. Affected: yes.

Dr. Peter K. Rogan Lab, Western University
No classification provided (evidence only). Condition: Acute myeloid leukemia. Review status: no classification provided. Collection method: in vitro. Allele origin: not applicable. Functional consequence: retained intron. Not counted in ClinVar's aggregate classification.

Dr. Peter K. Rogan Lab, Western University
No classification provided (evidence only). Condition: Acute myeloid leukemia. Review status: no classification provided. Collection method: in vitro. Allele origin: not applicable. Functional consequence: retained intron. Not counted in ClinVar's aggregate classification.

Dr. Peter K. Rogan Lab, Western University
No classification provided (evidence only). Condition: Acute myeloid leukemia. Review status: no classification provided. Collection method: in vitro. Allele origin: not applicable. Functional consequence: retained intron. Not counted in ClinVar's aggregate classification.

Dr. Peter K. Rogan Lab, Western University
No classification provided (evidence only). Condition: Acute myeloid leukemia. Review status: no classification provided. Collection method: in vitro. Allele origin: not applicable. Functional consequence: retained intron. Not counted in ClinVar's aggregate classification.

Dr. Peter K. Rogan Lab, Western University
No classification provided (evidence only). Condition: Acute myeloid leukemia. Review status: no classification provided. Collection method: in vitro. Allele origin: not applicable. Functional consequence: retained intron. Not counted in ClinVar's aggregate classification.

Dr. Peter K. Rogan Lab, Western University
No classification provided (evidence only). Condition: Acute myeloid leukemia. Review status: no classification provided. Collection method: in vitro. Allele origin: not applicable. Functional consequence: retained intron. Not counted in ClinVar's aggregate classification.

Dr. Peter K. Rogan Lab, Western University
No classification provided (evidence only). Condition: Acute myeloid leukemia. Review status: no classification provided. Collection method: in vitro. Allele origin: not applicable. Functional consequence: retained intron. Not counted in ClinVar's aggregate classification.

Dr. Peter K. Rogan Lab, Western University
No classification provided (evidence only). Condition: Acute myeloid leukemia. Review status: no classification provided. Collection method: in vitro. Allele origin: not applicable. Functional consequence: retained intron. Not counted in ClinVar's aggregate classification.

Dr. Peter K. Rogan Lab, Western University
No classification provided (evidence only). Condition: Acute myeloid leukemia. Review status: no classification provided. Collection method: in vitro. Allele origin: not applicable. Functional consequence: retained intron. Not counted in ClinVar's aggregate classification.

Dr. Peter K. Rogan Lab, Western University
No classification provided (evidence only). Condition: Acute myeloid leukemia. Review status: no classification provided. Collection method: in vitro. Allele origin: not applicable. Functional consequence: retained intron. Not counted in ClinVar's aggregate classification.

Dr. Peter K. Rogan Lab, Western University
No classification provided (evidence only). Condition: Acute myeloid leukemia. Review status: no classification provided. Collection method: in vitro. Allele origin: not applicable. Functional consequence: retained intron. Not counted in ClinVar's aggregate classification.

Dr. Peter K. Rogan Lab, Western University
No classification provided (evidence only). Condition: Sarcoma. Review status: no classification provided. Collection method: in vitro. Allele origin: not applicable. Functional consequence: retained intron. Not counted in ClinVar's aggregate classification.

Dr. Peter K. Rogan Lab, Western University
No classification provided (evidence only). Condition: Sarcoma. Review status: no classification provided. Collection method: in vitro. Allele origin: not applicable. Functional consequence: retained intron. Not counted in ClinVar's aggregate classification.

Dr. Peter K. Rogan Lab, Western University
No classification provided (evidence only). Condition: Sarcoma. Review status: no classification provided. Collection method: in vitro. Allele origin: not applicable. Functional consequence: retained intron. Not counted in ClinVar's aggregate classification.

Dr. Peter K. Rogan Lab, Western University
No classification provided (evidence only). Condition: Sarcoma. Review status: no classification provided. Collection method: in vitro. Allele origin: not applicable. Functional consequence: skipped exon, retained intron. Not counted in ClinVar's aggregate classification.

Dr. Peter K. Rogan Lab, Western University
No classification provided (evidence only). Condition: Sarcoma. Review status: no classification provided. Collection method: in vitro. Allele origin: not applicable. Functional consequence: retained intron. Not counted in ClinVar's aggregate classification.

Dr. Peter K. Rogan Lab, Western University
No classification provided (evidence only). Condition: Sarcoma. Review status: no classification provided. Collection method: in vitro. Allele origin: not applicable. Functional consequence: skipped exon, retained intron. Not counted in ClinVar's aggregate classification.

Dr. Peter K. Rogan Lab, Western University
No classification provided (evidence only). Condition: Malignant lymphoma, large B-cell, diffuse. Review status: no classification provided. Collection method: in vitro. Allele origin: not applicable. Functional consequence: retained intron. Not counted in ClinVar's aggregate classification.

Dr. Peter K. Rogan Lab, Western University
No classification provided (evidence only). Condition: Thymoma. Review status: no classification provided. Collection method: in vitro. Allele origin: not applicable. Functional consequence: retained intron. Not counted in ClinVar's aggregate classification.

Dr. Peter K. Rogan Lab, Western University
No classification provided (evidence only). Condition: Ovarian serous cystadenocarcinoma. Review status: no classification provided. Collection method: in vitro. Allele origin: not applicable. Functional consequence: retained intron. Not counted in ClinVar's aggregate classification.

Dr. Peter K. Rogan Lab, Western University
No classification provided (evidence only). Condition: Ovarian serous cystadenocarcinoma. Review status: no classification provided. Collection method: in vitro. Allele origin: not applicable. Functional consequence: retained intron. Not counted in ClinVar's aggregate classification.

Dr. Peter K. Rogan Lab, Western University
No classification provided (evidence only). Condition: Ovarian serous cystadenocarcinoma. Review status: no classification provided. Collection method: in vitro. Allele origin: not applicable. Functional consequence: retained intron. Not counted in ClinVar's aggregate classification.

Dr. Peter K. Rogan Lab, Western University
No classification provided (evidence only). Condition: Ovarian serous cystadenocarcinoma. Review status: no classification provided. Collection method: in vitro. Allele origin: not applicable. Functional consequence: retained intron. Not counted in ClinVar's aggregate classification.

Dr. Peter K. Rogan Lab, Western University
No classification provided (evidence only). Condition: Ovarian serous cystadenocarcinoma. Review status: no classification provided. Collection method: in vitro. Allele origin: not applicable. Functional consequence: retained intron. Not counted in ClinVar's aggregate classification.

Dr. Peter K. Rogan Lab, Western University
No classification provided (evidence only). Condition: Gastric cancer. Review status: no classification provided. Collection method: in vitro. Allele origin: not applicable. Functional consequence: retained intron. Not counted in ClinVar's aggregate classification.

Dr. Peter K. Rogan Lab, Western University
No classification provided (evidence only). Condition: Gastric cancer. Review status: no classification provided. Collection method: in vitro. Allele origin: not applicable. Functional consequence: retained intron. Not counted in ClinVar's aggregate classification.

Dr. Peter K. Rogan Lab, Western University
No classification provided (evidence only). Condition: Gastric cancer. Review status: no classification provided. Collection method: in vitro. Allele origin: not applicable. Functional consequence: retained intron. Not counted in ClinVar's aggregate classification.

Dr. Peter K. Rogan Lab, Western University
No classification provided (evidence only). Condition: Gastric cancer. Review status: no classification provided. Collection method: in vitro. Allele origin: not applicable. Functional consequence: retained intron. Not counted in ClinVar's aggregate classification.

Dr. Peter K. Rogan Lab, Western University
No classification provided (evidence only). Condition: Gastric cancer. Review status: no classification provided. Collection method: in vitro. Allele origin: not applicable. Functional consequence: retained intron. Not counted in ClinVar's aggregate classification.